The following is an entry in ClinVar:

ClinVar aggregate classification (germline): Benign/Likely benign. Review status: criteria provided, multiple submitters, no conflicts (2 of 4 stars). 7 submissions from 7 submitters: Benign (6); Likely benign (1). Last evaluated 2026-02-04.

Conditions:
Primary ciliary dyskinesia. Also called: Ciliary dyskinesia. Identifiers: Orphanet 244, MedGen C0008780, MONDO:0016575, HP:0012265.

Allele frequency attached by ClinVar (database versions not stated): ESP Exome Variant Server 0.08808; 1000 Genomes Project 30x 0.13851; 1000 Genomes Project 0.13858.
gnomAD v4.1: 39,958 of 1,611,074 alleles (2.5%); highest among the groups gnomAD compares: African/African-American, 29%; 4,470 homozygotes.

Submissions (7):

Labcorp Genetics (formerly Invitae), Labcorp
Classification: Benign for Primary ciliary dyskinesia. Last evaluated: 2026-02-04. Review status: criteria provided, single submitter. Criteria: Invitae Variant Classification Sherloc (09022015). Collection method: clinical testing. Allele origin: germline.

Blueprint Genetics
Classification: Benign. Last evaluated: 2024-11-27. Review status: criteria provided, single submitter. Criteria: ACMG Guidelines, 2015. Collection method: clinical testing. Allele origin: germline.

Mayo Clinic Laboratories, Mayo Clinic
Classification: Benign. Last evaluated: 2023-01-15. Review status: criteria provided, single submitter. Criteria: ACMG Guidelines, 2015. Collection method: clinical testing. Allele origin: germline. Observed: 14 variant alleles.

GeneDx
Classification: Benign. Last evaluated: 2019-05-24. Review status: criteria provided, single submitter. Criteria: GeneDx Variant Classification Process June 2021. Collection method: clinical testing. Allele origin: germline. Affected: yes.

Laboratory for Molecular Medicine, Mass General Brigham Personalized Medicine
Classification: Benign. Last evaluated: 2013-02-21. Review status: criteria provided, single submitter. Criteria: LMM Criteria. Collection method: clinical testing. Allele origin: germline. Observed: 6 variant alleles.
Comment: 11202+7C>A in intron 68 of DNAH11: This variant is not expected to have clinical significance because it is not located within the conserved splice consensus se quence. It has been identified in 28.2% (1011/3586) of African American chromoso mes from a broad population by the NHLBI Exome Sequencing Project (.; dbSNP rs73279826).

Breakthrough Genomics
Classification: Likely benign. Review status: criteria provided, single submitter. Criteria: ACMG Guidelines, 2015. Collection method: not provided. Allele origin: germline. Inheritance: Autosomal recessive inheritance. Affected: yes.

PreventionGenetics, part of Exact Sciences
Classification: Benign. Review status: criteria provided, single submitter. Criteria: ACMG Guidelines, 2015. Collection method: clinical testing. Allele origin: germline.

NM_001277115.2(DNAH11):c.11202+7C>A

Gene: DNAH11 (dynein axonemal heavy chain 11; plus strand). Cytogenetic location: 7p15.3.
Variant type: single nucleotide variant.
Coding change: c.11202+7C>A on transcript NM_001277115.2 (MANE Select); 7 bases into the intron after coding-DNA position 11202, C replaced by A.
Molecular consequence: intron variant.
Genome position (GRCh38, 1-based): chr7:21,854,462, C>A. VCF-style: chr7-21854462-C-A. GRCh37 (hg19) VCF-style: chr7-21894080-C-A.
Other names: p.?.
Identifiers: ClinVar variation 163123 (VCV000163123.25), dbSNP rs73279826, ClinGen allele CA175753.